The following is an entry in ClinVar:

ClinVar aggregate classification (germline): Uncertain significance (1 of 4 stars; one submission).

Conditions:
Hyperphosphatasia with impaired intellectual development syndrome 2. Also called: Hyperphosphatasia with intellectual disability syndrome 2; GLYCOSYLPHOSPHATIDYLINOSITOL BIOSYNTHESIS DEFECT 6. Identifiers: Orphanet 247262, MedGen C3553637, MONDO:0013882, OMIM 614749.

Submission:

Labcorp Genetics (formerly Invitae), Labcorp
Classification: Uncertain significance for Hyperphosphatasia with impaired intellectual development syndrome 2. Last evaluated: 2022-07-04. Review status: criteria provided, single submitter. Criteria: Invitae Variant Classification Sherloc (09022015). Collection method: clinical testing. Allele origin: germline.
Comment: In summary, the available evidence is currently insufficient to determine the role of this variant in disease. Therefore, it has been classified as a Variant of Uncertain Significance. Algorithms developed to predict the effect of missense changes on protein structure and function are either unavailable or do not agree on the potential impact of this missense change (SIFT: "Tolerated"; PolyPhen-2: "Possibly Damaging"; Align-GVGD: "Class C0"). This variant has not been reported in the literature in individuals affected with PIGO-related conditions. This variant is not present in population databases (gnomAD no frequency). This sequence change replaces phenylalanine, which is neutral and non-polar, with leucine, which is neutral and non-polar, at codon 196 of the PIGO protein (p.Phe196Leu).

NM_032634.4(PIGO):c.588C>G (p.Phe196Leu)

Gene: PIGO (phosphatidylinositol glycan anchor biosynthesis class O; minus strand). Cytogenetic location: 9p13.3.
Variant type: single nucleotide variant.
Coding change: c.588C>G on transcript NM_032634.4 (MANE Select); coding-DNA position 588, C replaced by G.
Protein change: p.Phe196Leu; replaces phenylalanine 196 with leucine.
Molecular consequence: missense variant.
Genome position (GRCh38, 1-based): chr9:35,094,283, G>C on the plus strand (C>G on the coding strand, the complement: PIGO is on the minus strand). VCF-style: chr9-35094283-G-C. GRCh37 (hg19) VCF-style: chr9-35094280-G-C.
Other names: c.588C>G, p.Phe196Leu (NM_001201484.2, NM_152850.4); short protein forms F196L.
Identifiers: ClinVar variation 2088208 (VCV002088208.4), dbSNP rs753452597, ClinGen allele CA373323953.